The following is an entry in ClinVar:

ClinVar aggregate classification (germline): Uncertain significance (1 of 4 stars; one submission).

Conditions:
Familial thoracic aortic aneurysm and aortic dissection (TAAD). Also called: Thoracic aortic aneurysms and dissections. Identifiers: Orphanet 91387, MedGen C4707243, MONDO:0019625.

gnomAD v4.1: 2 of 1,614,222 alleles (0.00012%); highest among the groups gnomAD compares: Admixed American, 0.0017%; no homozygotes.

Submission:

Color Diagnostics, LLC DBA Color Health
Classification: Uncertain significance for Familial thoracic aortic aneurysm and aortic dissection. Last evaluated: 2024-03-06. Review status: criteria provided, single submitter. Criteria: ACMG Guidelines, 2015. Collection method: clinical testing. Allele origin: germline.
Comment: This missense variant replaces valine with methionine at codon 34 of the FBN1 protein. Computational prediction suggests that this variant may not impact protein structure and function (internally defined REVEL score threshold <= 0.5, PMID: 27666373). To our knowledge, functional studies have not been reported for this variant. This variant has not been reported in individuals affected with cardiovascular disorders in the literature. This variant has been identified in 1/251484 chromosomes in the general population by the Genome Aggregation Database (gnomAD). The available evidence is insufficient to determine the role of this variant in disease conclusively. Therefore, this variant is classified as a Variant of Uncertain Significance.

NM_000138.5(FBN1):c.100G>A (p.Val34Met)

Gene: FBN1 (fibrillin 1; minus strand). Cytogenetic location: 15q21.1.
Variant type: single nucleotide variant.
Coding change: c.100G>A on transcript NM_000138.5 (MANE Select); coding-DNA position 100, G replaced by A.
Protein change: p.Val34Met; replaces valine 34 with methionine.
Molecular consequence: missense variant.
Genome position (GRCh38, 1-based): chr15:48,644,670, C>T on the plus strand (G>A on the coding strand, the complement: FBN1 is on the minus strand). VCF-style: chr15-48644670-C-T. GRCh37 (hg19) VCF-style: chr15-48936867-C-T.
Other names: c.100G>A, p.Val34Met (NM_001406716.1, NM_001406717.1, NM_001406718.1); short protein forms V34M.
Identifiers: ClinVar variation 2773409 (VCV002773409.2), dbSNP rs1365346856, ClinGen allele CA392453650.